The following is an entry in ClinVar:

NM_024334.3(TMEM43):c.238G>C (p.Val80Leu)

Gene: TMEM43 (transmembrane protein 43; plus strand). Cytogenetic location: 3p25.1.
Variant type: single nucleotide variant.
Coding change: c.238G>C on transcript NM_024334.3 (MANE Select); coding-DNA position 238, G replaced by C.
Protein change: p.Val80Leu; replaces valine 80 with leucine.
Molecular consequence: missense variant.
Genome position (GRCh38, 1-based): chr3:14,130,897, G>C. VCF-style: chr3-14130897-G-C. GRCh37 (hg19) VCF-style: chr3-14172397-G-C.
Other names: short protein forms V80L.
Identifiers: ClinVar variation 1331831 (VCV001331831.3), dbSNP rs2124987038, ClinGen allele CA351534631.

ClinVar aggregate classification (germline): Uncertain significance (1 of 4 stars; one submission).

Conditions:
Cardiomyopathy (CMYO). Also called: Cardiomyopathies. Identifiers: Orphanet 167848, MedGen C0878544, MONDO:0004994, HP:0001638. Inheritance: Various modes of inheritance.

Submission:

Color Diagnostics, LLC DBA Color Health
Classification: Uncertain significance for Cardiomyopathy. Last evaluated: 2024-03-06. Review status: criteria provided, single submitter. Criteria: ACMG Guidelines, 2015. Collection method: clinical testing. Allele origin: germline.
Comment: This missense variant replaces valine with leucine at codon 80 of the TMEM43 protein. Computational prediction suggests that this variant may not impact protein structure and function (internally defined REVEL score threshold <= 0.5, PMID: 27666373). To our knowledge, functional studies have not been reported for this variant. This variant has not been reported in individuals affected with cardiovascular disorders in the literature. This variant has not been identified in the general population by the Genome Aggregation Database (gnomAD). The available evidence is insufficient to determine the role of this variant in disease conclusively. Therefore, this variant is classified as a Variant of Uncertain Significance.